The following is an entry in ClinVar:

NM_004415.4(DSP):c.5987del (p.Lys1996fs)

Gene: DSP (desmoplakin; plus strand). Cytogenetic location: 6p24.3.
Variant type: Deletion.
Coding change: c.5987del on transcript NM_004415.4 (MANE Select); coding-DNA position 5987, one base deleted (A; older notation c.5987delA).
Protein change: p.Lys1996fs; shifts the reading frame from lysine 1996.
Molecular consequence: frameshift variant.
Genome position (GRCh38, 1-based): chr6:7,583,249, A deleted; the last of 2 consecutive A bases (chr6:7,583,248-7,583,249); deleting either gives the same sequence. VCF-style (leftmost placement, unchanged base first): chr6-7583247-GA-G. GRCh37 (hg19) VCF-style: chr6-7583480-GA-G.
Other names: c.4190del, p.Lys1397fs (NM_001008844.3); c.4658del, p.Lys1553fs (NM_001319034.2); c.5987delA (NM_004415.2); short protein forms K1996fs, K1397fs, K1553fs.
Identifiers: ClinVar variation 938412 (VCV000938412.13), dbSNP rs1759510200, ClinGen allele CA1139659419.

ClinVar aggregate classification (germline): Pathogenic/Likely pathogenic. Review status: criteria provided, multiple submitters, no conflicts (2 of 4 stars). 3 submissions from 3 submitters: Pathogenic (2); Likely pathogenic (1). Last evaluated 2024-04-25.

Conditions:
Arrhythmogenic right ventricular dysplasia 8 (ARVD8). Also called: ARRHYTHMOGENIC RIGHT VENTRICULAR DYSPLASIA, FAMILIAL, 8; ARRHYTHMOGENIC RIGHT VENTRICULAR CARDIOMYOPATHY 8; Arrhythmogenic Right Ventricular Dysplasia/Cardiomyopathy 8. Identifiers: MedGen C1843896, MONDO:0011831, OMIM 607450.
Arrhythmogenic cardiomyopathy with wooly hair and keratoderma. Also called: Carvajal syndrome; Dilated cardiomyopathy with woolly hair and keratoderma; PALMOPLANTAR KERATODERMA WITH LEFT VENTRICULAR CARDIOMYOPATHY AND WOOLLY HAIR; Arrhythmogenic cardiomyopathy with woolly hair and keratoderma. Identifiers: Orphanet 65282, MedGen C1854063, MONDO:0011581, OMIM 605676.
Cardiovascular phenotype. Identifiers: MedGen CN230736.

Submissions (3):

All of Us Research Program, National Institutes of Health
Classification: Likely pathogenic for Arrhythmogenic cardiomyopathy with wooly hair and keratoderma. Last evaluated: 2024-04-25. Review status: criteria provided, single submitter. Criteria: ACMG Guidelines, 2015. Collection method: clinical testing. Allele origin: germline. Inheritance: Autosomal dominant inheritance. Observed: 1 variant allele, 1 heterozygote.
Comment: This variant changes 1 nucleotide in exon 24 of the DSP gene, creating a premature translation stop signal in the last exon. This variant is predicted to escape nonsense-mediated decay and be expressed as a truncated protein. Although functional studies have not been reported, this variant is expected to disrupt the plakin repeat domains. Plakin repeat domains and downstream C-terminal sequence have been reported to be essential for interaction with intermediate filaments (PMID: 12101406, 12802069, 21756917). In addition, truncating variants occurring downstream of this variant are known to be disease-causing (ClinVar variation ID: 199905, 518482, 923199). To our knowledge, this variant has not been reported in individuals affected with DSP-related disorders in the literature. This variant has not been identified in the general population by the Genome Aggregation Database (gnomAD). Based on the available evidence, this variant is classified as Likely Pathogenic.

This study involves interpretation of variants in research participants for the purpose of population health screening. Participant phenotype was not available at the time of variant classification. Additional details can be found in publication PMID: 35346344, PMCID: PMC8962531

Labcorp Genetics (formerly Invitae), Labcorp
Classification: Pathogenic for Arrhythmogenic cardiomyopathy with wooly hair and keratoderma; Arrhythmogenic right ventricular dysplasia 8. Last evaluated: 2020-01-24. Review status: criteria provided, single submitter. Criteria: Invitae Variant Classification Sherloc (09022015). Collection method: clinical testing. Allele origin: germline.
Comment: For these reasons, this variant has been classified as Pathogenic. This variant disrupts the C-terminus of the DSP protein. Other variant(s) that disrupt this region (p.Arg2160*, p.Lys2693Profs*3, p.Thr2733Serfs*14, p.Gln2765Alafs*23) have been determined to be pathogenic (PMID: 28527814, 21859740). This suggests that variants that disrupt this region of the protein are likely to be causative of disease. This variant has not been reported in the literature in individuals with DSP-related conditions. This variant is not present in population databases (ExAC no frequency). This sequence change results in a premature translational stop signal in the DSP gene (p.Lys1996Argfs*37). While this is not anticipated to result in nonsense mediated decay, it is expected to disrupt the last 876 amino acids of the DSP protein.

Ambry Genetics
Classification: Pathogenic for Cardiovascular phenotype. Last evaluated: 2019-04-09. Review status: criteria provided, single submitter. Criteria: Ambry Variant Classification Scheme 2023. Collection method: clinical testing. Allele origin: germline.
Comment: The c.5987delA pathogenic mutation, located in coding exon 24 of the DSP gene, results from a deletion of one nucleotide at nucleotide position 5987, causing a translational frameshift with a predicted alternate stop codon (p.K1996Rfs*37). Alterations in DSP that result in haploinsufficiency or protein truncation have been reported in patients with arrhythmogenic right ventricular cardiomyopathy (ARVC) and dilated cardiomyopathy (DCM) (Fressart V et al. Europace. 2010;12(6):861-8; Elliott P et al. Circ Cardiovasc Genet. 2010;3(4):314-22; Quarta G et al. Circulation. 2011;123(23):2701-9; Garcia-Pavia P et al. Heart. 2011;97(21):1744-52; Rasmussen TB et al. Clin Genet. 2013;84(1):20-30; Pugh TJ et al. Genet Med. 2014;16(8):601-8). This alteration occurs at the 3' terminus of DSP, is not expected to trigger nonsense-mediated mRNA decay, and impacts the last 876 amino acids of the protein. While the exact functional impact of these amino acids is unknown at this time, the eliminated amino acids include most of the plakin repeat regions, 16 plectin domains and 6 X 4 AA tandem repeats of G-S-R-[SR], and a number of alterations more C-terminal than this variant have been detected in arrhythmogenic right ventricular cardiomyopathy (ARVC) and dilated cardiomyopathy (DCM) cohorts (e.g., c.8077_8080delAAG and c.8188delC in Walsh R et al. Genet. Med. 2017;19:192-203). This alteration is expected to result in loss of function by premature protein truncation. As such, this alteration is interpreted as a disease-causing mutation.

Literature cited by the submitters: PubMed 12101406 (cited by All of Us Research Program, National Institutes of Health); PubMed 12802069 (cited by All of Us Research Program, National Institutes of Health); PubMed 21756917 (cited by All of Us Research Program, National Institutes of Health); PubMed 28527814 (cited by Labcorp Genetics (formerly Invitae), Labcorp); PubMed 21859740 (cited by Labcorp Genetics (formerly Invitae), Labcorp).